The following is an entry in ClinVar:

ClinVar aggregate classification (germline): Uncertain significance (1 of 4 stars; one submission).

Conditions:
Cardiomyopathy (CMYO). Also called: Cardiomyopathies. Identifiers: Orphanet 167848, MedGen C0878544, MONDO:0004994, HP:0001638. Inheritance: Various modes of inheritance.

Submission:

Color Diagnostics, LLC DBA Color Health
Classification: Uncertain significance for Cardiomyopathy. Last evaluated: 2024-08-26. Review status: criteria provided, single submitter. Criteria: ACMG Guidelines, 2015. Collection method: clinical testing. Allele origin: germline.
Comment: This missense variant replaces glutamic acid with glycine at codon 149 of the PKP2 protein. Computational prediction suggests that this variant may not impact protein structure and function (internally defined REVEL score threshold <= 0.5, PMID: 27666373). To our knowledge, functional studies have not been reported for this variant. This variant has not been reported in individuals affected with PKP2-related disorders in the literature. This variant has not been identified in the general population by the Genome Aggregation Database (gnomAD). The available evidence is insufficient to determine the role of this variant in disease conclusively. Therefore, this variant is classified as a Variant of Uncertain Significance.

NM_001005242.3(PKP2):c.446A>G (p.Glu149Gly)

Gene: PKP2 (plakophilin 2; minus strand). Cytogenetic location: 12p11.21.
Variant type: single nucleotide variant.
Coding change: c.446A>G on transcript NM_001005242.3 (MANE Select); coding-DNA position 446, A replaced by G.
Protein change: p.Glu149Gly; replaces glutamic acid 149 with glycine.
Molecular consequence: missense variant.
Genome position (GRCh38, 1-based): chr12:32,878,434, T>C on the plus strand (A>G on the coding strand, the complement: PKP2 is on the minus strand). VCF-style: chr12-32878434-T-C. GRCh37 (hg19) VCF-style: chr12-33031368-T-C.
Other names: c.446A>G, p.Glu149Gly (NM_001407155.1, NM_001407156.1, NM_001407157.1 and 2 more transcripts); c.119A>G, p.Glu40Gly (NM_001407158.1, NM_001407159.1, NM_001407160.1 and 1 more transcripts); short protein forms E149G, E40G.
Identifiers: ClinVar variation 3894073 (VCV003894073.1).